The following is an entry in ClinVar:

ClinVar aggregate classification (germline): Uncertain significance (1 of 4 stars; one submission).

Submission:

Labcorp Genetics (formerly Invitae), Labcorp
Classification: Uncertain significance. Last evaluated: 2022-06-20. Review status: criteria provided, single submitter. Criteria: Invitae Variant Classification Sherloc (09022015). Collection method: clinical testing. Allele origin: germline.
Comment: This sequence change replaces serine, which is neutral and polar, with phenylalanine, which is neutral and non-polar, at codon 1741 of the USH2A protein (p.Ser1741Phe). This variant is not present in population databases (gnomAD no frequency). This variant has not been reported in the literature in individuals affected with USH2A-related conditions. Algorithms developed to predict the effect of missense changes on protein structure and function (SIFT, PolyPhen-2, Align-GVGD) all suggest that this variant is likely to be disruptive. In summary, the available evidence is currently insufficient to determine the role of this variant in disease. Therefore, it has been classified as a Variant of Uncertain Significance.

NM_206933.4(USH2A):c.5222C>T (p.Ser1741Phe)

Genes: USH2A (usherin; minus strand), USH2A-AS2 (USH2A antisense RNA 2; plus strand). Cytogenetic location: 1q41.
Variant type: single nucleotide variant.
Coding change: c.5222C>T on transcript NM_206933.4 (MANE Select); coding-DNA position 5222, C replaced by T.
Protein change: p.Ser1741Phe; replaces serine 1741 with phenylalanine.
Molecular consequence: missense variant.
Genome position (GRCh38, 1-based): chr1:216,083,532, G>A on the plus strand (C>T on the coding strand, the complement: USH2A is on the minus strand). VCF-style: chr1-216083532-G-A. GRCh37 (hg19) VCF-style: chr1-216256874-G-A.
Other names: short protein forms S1741F.
Identifiers: ClinVar variation 1508711 (VCV001508711.3), dbSNP rs945582459, ClinGen allele CA37445009.
Genomic context (GRCh38, chr1:216,083,532, plus strand): 5'-CCATCTTTGTTATAAACGAAAAGAAGCAATCCATTTAATTGGTCAGTTCTGAACTTAAAG[G>A]AAATCTCAAAGTTCATTCCACCATGAAACATATATGGATGAAGTTCCAGGAACCCTTTAA-3'
Protein context (NP_996816.3, residues 1731-1751): MFHGGMNFEI[Ser1741Phe]FKFRTDQLNG